The following is an entry in ClinVar:

NM_001378120.1(MBD5):c.3677A>G (p.Gln1226Arg)

Gene: MBD5 (methyl-CpG binding domain protein 5; plus strand). Cytogenetic location: 2q23.1.
Variant type: single nucleotide variant.
Coding change: c.3677A>G on transcript NM_001378120.1 (MANE Select); coding-DNA position 3677, A replaced by G.
Protein change: p.Gln1226Arg; replaces glutamine 1226 with arginine.
Molecular consequence: missense variant.
Genome position (GRCh38, 1-based): chr2:148,485,874, A>G. VCF-style: chr2-148485874-A-G. GRCh37 (hg19) VCF-style: chr2-149243443-A-G.
Other names: c.2978A>G, p.Gln993Arg (NM_018328.5); short protein forms Q1226R, Q993R.
Identifiers: ClinVar variation 2998203 (VCV002998203.3), dbSNP rs761395486, ClinGen allele CA348724633.

ClinVar aggregate classification (germline): Uncertain significance (1 of 4 stars; one submission).

Conditions:
Intellectual developmental disorder, autosomal dominant 1. Also called: MBD5 Haploinsufficiency; Intellectual disability, autosomal dominant 1. Identifiers: Orphanet 228402, MedGen C1969562, MONDO:0007974, OMIM 156200.

Allele frequency attached by ClinVar (database versions not stated): gnomAD 0.00001.
gnomAD v4.1: 4 of 1,614,018 alleles (0.00025%); highest among the groups gnomAD compares: Non-Finnish European, 0.00034%; no homozygotes.

Submission:

Labcorp Genetics (formerly Invitae), Labcorp
Classification: Uncertain significance for Intellectual developmental disorder, autosomal dominant 1. Last evaluated: 2023-03-08. Review status: criteria provided, single submitter. Criteria: Invitae Variant Classification Sherloc (09022015). Collection method: clinical testing. Allele origin: germline.
Comment: This sequence change replaces glutamine, which is neutral and polar, with arginine, which is basic and polar, at codon 993 of the MBD5 protein (p.Gln993Arg). This variant is not present in population databases (gnomAD no frequency). This variant has not been reported in the literature in individuals affected with MBD5-related conditions. Advanced modeling of protein sequence and biophysical properties (such as structural, functional, and spatial information, amino acid conservation, physicochemical variation, residue mobility, and thermodynamic stability) performed at Invitae indicates that this missense variant is not expected to disrupt MBD5 protein function. In summary, the available evidence is currently insufficient to determine the role of this variant in disease. Therefore, it has been classified as a Variant of Uncertain Significance.